The following is an entry in ClinVar:

ClinVar aggregate classification (germline): Uncertain significance (1 of 4 stars; one submission).

Conditions:
Hereditary cancer-predisposing syndrome. Also called: Neoplastic Syndromes, Hereditary; Tumor predisposition; Hereditary neoplastic syndrome; Hereditary Cancer Syndrome. Identifiers: Orphanet 140162, MedGen C0027672, MeSH D009386, MONDO:0015356.

Submission:

Ambry Genetics
Classification: Uncertain significance for Hereditary cancer-predisposing syndrome. Last evaluated: 2024-01-22. Review status: criteria provided, single submitter. Criteria: Ambry Variant Classification Scheme 2023. Collection method: clinical testing. Allele origin: germline.
Comment: The p.D1590G variant (also known as c.4769A>G), located in coding exon 36 of the TSC2 gene, results from an A to G substitution at nucleotide position 4769. The aspartic acid at codon 1590 is replaced by glycine, an amino acid with similar properties. This amino acid position is highly conserved in available vertebrate species. In addition, this alteration is predicted to be deleterious by in silico analysis. Based on the available evidence, the clinical significance of this alteration remains unclear.

NM_000548.5(TSC2):c.4769A>G (p.Asp1590Gly)

Gene: TSC2 (TSC complex subunit 2; plus strand). Cytogenetic location: 16p13.3.
Variant type: single nucleotide variant.
Coding change: c.4769A>G on transcript NM_000548.5 (MANE Select); coding-DNA position 4769, A replaced by G.
Protein change: p.Asp1590Gly; replaces aspartic acid 1590 with glycine.
Molecular consequence: missense variant. On other transcripts: non-coding transcript variant (5).
Genome position (GRCh38, 1-based): chr16:2,086,299, A>G. VCF-style: chr16-2086299-A-G. GRCh37 (hg19) VCF-style: chr16-2136300-A-G.
Other names: c.4568A>G, p.Asp1523Gly (NM_001077183.3); c.4700A>G, p.Asp1567Gly (NM_001114382.3); c.4460A>G, p.Asp1487Gly (NM_001318827.2); c.4424A>G, p.Asp1475Gly (NM_001318829.2); c.4037A>G, p.Asp1346Gly (NM_001318831.2); c.4601A>G, p.Asp1534Gly (NM_001318832.2); c.4571A>G, p.Asp1524Gly (NM_001363528.2); c.4637A>G, p.Asp1546Gly (NM_001370404.1); and 26 more; short protein forms D1075G, D1076G, D1098G, D1099G, D1119G, D1323G, D1324G, D1346G.
Identifiers: ClinVar variation 3232176 (VCV003232176.1), dbSNP rs2090780608, ClinGen allele CA394307882.